The following is an entry in ClinVar:

ClinVar aggregate classification (germline): Uncertain significance (1 of 4 stars; one submission).

Conditions:
Classic or attenuated familial adenomatous polyposis. Identifiers: MedGen CN372698, MONDO:0021057.

Submission:

All of Us Research Program, National Institutes of Health
Classification: Uncertain significance for Classic or attenuated familial adenomatous polyposis. Last evaluated: 2023-09-17. Review status: criteria provided, single submitter. Criteria: ACMG Guidelines, 2015. Collection method: clinical testing. Allele origin: germline. Inheritance: Autosomal dominant inheritance. Observed: 1 variant allele, 1 heterozygote.
Comment: This missense variant replaces proline with serine at codon 2065 of the APC protein. Computational prediction suggests that this variant may not impact protein structure and function (internally defined REVEL score threshold <= 0.5, PMID: 27666373). To our knowledge, functional studies have not been reported for this variant. This variant has not been reported in individuals affected with APC-related disorders in the literature. This variant has not been identified in the general population by the Genome Aggregation Database (gnomAD). The available evidence is insufficient to determine the role of this variant in disease conclusively. Therefore, this variant is classified as a Variant of Uncertain Significance.

This study involves interpretation of variants in research participants for the purpose of population health screening. Participant phenotype was not available at the time of variant classification. Additional details can be found in publication PMID: 35346344, PMCID: PMC8962531

NM_000038.6(APC):c.6193C>T (p.Pro2065Ser)

Gene: APC (APC regulator of WNT signaling pathway; plus strand). Cytogenetic location: 5q22.2.
Variant type: single nucleotide variant.
Coding change: c.6193C>T on transcript NM_000038.6 (MANE Select); coding-DNA position 6193, C replaced by T.
Protein change: p.Pro2065Ser; replaces proline 2065 with serine.
Molecular consequence: missense variant. On other transcripts: non-coding transcript variant (2).
Genome position (GRCh38, 1-based): chr5:112,841,787, C>T. VCF-style: chr5-112841787-C-T. GRCh37 (hg19) VCF-style: chr5-112177484-C-T.
Other names: c.6193C>T, p.Pro2065Ser (NM_001127510.3, NM_001354895.2, NM_001407450.1); c.6139C>T, p.Pro2047Ser (NM_001127511.3); c.6247C>T, p.Pro2083Ser (NM_001354896.2, NM_001407447.1, NM_001407448.1 and 1 more transcripts); c.6223C>T, p.Pro2075Ser (NM_001354897.2); c.6118C>T, p.Pro2040Ser (NM_001354898.2); c.6109C>T, p.Pro2037Ser (NM_001354899.2); c.6070C>T, p.Pro2024Ser (NM_001354900.2); c.6016C>T, p.Pro2006Ser (NM_001354901.2, NM_001407453.1); and 11 more; short protein forms P1681S, P1782S, P1905S, P1936S, P1939S, P1964S, P1974S, P1982S.
Identifiers: ClinVar variation 3073431 (VCV003073431.1), dbSNP rs1220035685, ClinGen allele CA16034898.